The following is an entry in ClinVar:

ClinVar aggregate classification (germline): Uncertain significance (1 of 4 stars; one submission).

gnomAD v4.1: 12 of 1,613,964 alleles (0.00074%); highest among the groups gnomAD compares: African/African-American, 0.016%; no homozygotes.

Submission:

Labcorp Genetics (formerly Invitae), Labcorp
Classification: Uncertain significance. Last evaluated: 2025-03-07. Review status: criteria provided, single submitter. Criteria: Invitae Variant Classification Sherloc (09022015). Collection method: clinical testing. Allele origin: germline.
Comment: This sequence change replaces valine, which is neutral and non-polar, with leucine, which is neutral and non-polar, at codon 785 of the EMC1 protein (p.Val785Leu). This variant is present in population databases (rs770588339, gnomAD 0.01%). This variant has not been reported in the literature in individuals affected with EMC1-related conditions. ClinVar contains an entry for this variant (Variation ID: 1523302). Invitae Evidence Modeling of protein sequence and biophysical properties (such as structural, functional, and spatial information, amino acid conservation, physicochemical variation, residue mobility, and thermodynamic stability) indicates that this missense variant is expected to disrupt EMC1 protein function with a positive predictive value of 80%. In summary, the available evidence is currently insufficient to determine the role of this variant in disease. Therefore, it has been classified as a Variant of Uncertain Significance.

NM_015047.3(EMC1):c.2353G>T (p.Val785Leu)

Genes: EMC1 (ER membrane protein complex subunit 1; minus strand), EMC1-AS1 (EMC1 antisense RNA 1; plus strand). Cytogenetic location: 1p36.13.
Variant type: single nucleotide variant.
Coding change: c.2353G>T on transcript NM_015047.3 (MANE Select); coding-DNA position 2353, G replaced by T.
Protein change: p.Val785Leu; replaces valine 785 with leucine.
Molecular consequence: missense variant.
Genome position (GRCh38, 1-based): chr1:19,223,419, C>A on the plus strand (G>T on the coding strand, the complement: EMC1 is on the minus strand). VCF-style: chr1-19223419-C-A. GRCh37 (hg19) VCF-style: chr1-19549913-C-A.
Other names: c.2350G>T, p.Val784Leu (NM_001271427.2, NM_001271428.2); c.2287G>T, p.Val763Leu (NM_001271429.2); c.2362G>T, p.Val788Leu (NM_001375820.1); c.2359G>T, p.Val787Leu (NM_001375821.1); short protein forms V784L, V788L, V785L, V763L, V787L.
Identifiers: ClinVar variation 1523302 (VCV001523302.6), dbSNP rs770588339, ClinGen allele CA652315.
Genomic context (GRCh38, chr1:19,223,419, plus strand): 5'-CTGGAGCTACCTTGGGTCCCTGGTAGTGACCGCTTACCACCACCCAGTTCTCTGAATGCA[C>A]GATATGGACAGGGCCTTTGGCTTTCTTCTGCACAGAGGAGTGAATGATACGCCCAGTGAC-3'
Protein context (NP_055862.1, residues 775-795): QKKAKGPVHI[Val785Leu]HSENWVVYQY